The following is an entry in ClinVar:

NM_004446.3(EPRS1):c.2088G>A (p.Pro696=)

Gene: EPRS1 (glutamyl-prolyl-tRNA synthetase 1; minus strand). Cytogenetic location: 1q41.
Variant type: single nucleotide variant.
Coding change: c.2088G>A on transcript NM_004446.3 (MANE Select); coding-DNA position 2088, G replaced by A.
Protein change: p.Pro696=; no amino-acid change (proline 696 retained).
Molecular consequence: synonymous variant.
Genome position (GRCh38, 1-based): chr1:220,001,231, C>T on the plus strand (G>A on the coding strand, the complement: EPRS1 is on the minus strand). VCF-style: chr1-220001231-C-T. GRCh37 (hg19) VCF-style: chr1-220174573-C-T.
Identifiers: ClinVar variation 1680972 (VCV001680972.11), dbSNP rs145416177, ClinGen allele CA1400070.

ClinVar aggregate classification (germline): Likely benign. Review status: criteria provided, multiple submitters, no conflicts (2 of 4 stars). 3 submissions from 3 submitters: Likely benign (3). Last evaluated 2026-06-01.

Allele frequency attached by ClinVar (database versions not stated): TOPMed 0.00004; ExAC 0.00007; gnomAD 0.00007; gnomAD exomes 0.00007; ESP Exome Variant Server 0.00015; 1000 Genomes Project 0.00020; 1000 Genomes Project 30x 0.00031.
gnomAD v4.1: 108 of 1,612,552 alleles (0.0067%); highest among the groups gnomAD compares: Middle Eastern, 0.016%; no homozygotes.

Submissions (3):

CeGaT Center for Human Genetics Tuebingen
Classification: Likely benign. Last evaluated: 2026-06-01. Review status: criteria provided, single submitter. Criteria: CeGaT Center For Human Genetics Tuebingen Variant Classification Criteria Version 2. Collection method: clinical testing. Allele origin: germline. Affected: yes. Observed: 1 variant allele.
Comment: EPRS1: BP4, BP7

Blueprint Genetics
Classification: Likely benign. Last evaluated: 2024-09-30. Review status: criteria provided, single submitter. Criteria: ACMG Guidelines, 2015. Collection method: clinical testing. Allele origin: germline.

Labcorp Genetics (formerly Invitae), Labcorp
Classification: Likely benign. Last evaluated: 2022-11-28. Review status: criteria provided, single submitter. Criteria: Invitae Variant Classification Sherloc (09022015). Collection method: clinical testing. Allele origin: germline.